The following is an entry in ClinVar:

NM_004667.6(HERC2):c.2024A>G (p.Asp675Gly)

Gene: HERC2 (HECT and RLD domain containing E3 ubiquitin protein ligase 2; minus strand). Cytogenetic location: 15q13.1.
Variant type: single nucleotide variant.
Coding change: c.2024A>G on transcript NM_004667.6 (MANE Select); coding-DNA position 2024, A replaced by G.
Protein change: p.Asp675Gly; replaces aspartic acid 675 with glycine.
Molecular consequence: missense variant.
Genome position (GRCh38, 1-based): chr15:28,263,016, T>C on the plus strand (A>G on the coding strand, the complement: HERC2 is on the minus strand). VCF-style: chr15-28263016-T-C. GRCh37 (hg19) VCF-style: chr15-28508162-T-C.
Other names: short protein forms D675G.
Identifiers: ClinVar variation 1316131 (VCV001316131.2), dbSNP rs2075455895, ClinGen allele CA391397527.

ClinVar aggregate classification (germline): Uncertain significance (1 of 4 stars; one submission).

Allele frequency attached by ClinVar (database versions not stated): gnomAD exomes below 0.00001.
gnomAD v4.1: 2 of 1,614,158 alleles (0.00012%); highest among the groups gnomAD compares: East Asian, 0.0022%; no homozygotes.

Submission:

GeneDx
Classification: Uncertain significance. Last evaluated: 2019-07-22. Review status: criteria provided, single submitter. Criteria: GeneDx Variant Classification Process June 2021. Collection method: clinical testing. Allele origin: germline. Affected: yes.
Comment: Not observed in large population cohorts (Lek et al., 2016); In silico analysis, which includes protein predictors and evolutionary conservation, supports a deleterious effect; Has not been previously published as pathogenic or benign to our knowledge